The following is an entry in ClinVar:

ClinVar aggregate classification (germline): Pathogenic/Likely pathogenic. Review status: criteria provided, multiple submitters, no conflicts (2 of 4 stars). 3 submissions from 3 submitters: Pathogenic (1); Likely pathogenic (2). Last evaluated 2024-10-07.

Conditions:
Glycine encephalopathy. Also called: Nonketotic hyperglycinemia; Non-ketotic hyperglycinemia. Identifiers: Orphanet 407, MedGen C0751748, MONDO:0011612, HP:0008288.

Submissions (3):

Natera, Inc.
Classification: Likely pathogenic for Non-ketotic hyperglycinemia. Last evaluated: 2024-10-07. Review status: criteria provided, single submitter. Criteria: Natera Variant Classification Schema (03/2026). Collection method: clinical testing. Allele origin: germline.
Comment: The c.450C>G variant in GLDC is a missense variant predicted to cause substitution of asparagine to lysine at amino acid 150. This variant is rare in the general population with a frequency below the threshold expected for the associated phenotype(s). This variant has been observed in one or more individuals affected with the associated recessive disease, as either homozygous or compound heterozygous with a second variant (PMID: 34513771, 35616651). A different variant at the same position has been determined to be Pathogenic or Likely Pathogenic. Computational prediction algorithms indicate this variant is likely to affect gene or protein function. Given the available evidence, this variant is classified as Likely Pathogenic.

Labcorp Genetics (formerly Invitae), Labcorp
Classification: Pathogenic for Glycine encephalopathy. Last evaluated: 2024-06-05. Review status: criteria provided, single submitter. Criteria: Invitae Variant Classification Sherloc (09022015). Collection method: clinical testing. Allele origin: germline.
Comment: This sequence change replaces asparagine, which is neutral and polar, with lysine, which is basic and polar, at codon 150 of the GLDC protein (p.Asn150Lys). This variant is not present in population databases (gnomAD no frequency). This missense change has been observed in individual(s) with GLDC-related conditions (PMID: 34513771, 35616651). In at least one individual the data is consistent with being in trans (on the opposite chromosome) from a pathogenic variant. ClinVar contains an entry for this variant (Variation ID: 2098519). Advanced modeling of protein sequence and biophysical properties (such as structural, functional, and spatial information, amino acid conservation, physicochemical variation, residue mobility, and thermodynamic stability) has been performed at Invitae for this missense variant, however the output from this modeling did not meet the statistical confidence thresholds required to predict the impact of this variant on GLDC protein function. This variant disrupts the p.Asn150 amino acid residue in GLDC. Other variant(s) that disrupt this residue have been determined to be pathogenic (PMID: 15192636). This suggests that this residue is clinically significant, and that variants that disrupt this residue are likely to be disease-causing. For these reasons, this variant has been classified as Pathogenic.

Women's Health and Genetics/Laboratory Corporation of America, LabCorp
Classification: Likely pathogenic for Glycine encephalopathy. Last evaluated: 2023-08-07. Review status: criteria provided, single submitter. Criteria: LabCorp Variant Classification Summary - May 2015. Collection method: clinical testing. Allele origin: germline.
Comment: Variant summary: GLDC c.450C>G (p.Asn150Lys) results in a non-conservative amino acid change in the encoded protein sequence. Five of five in-silico tools predict a damaging effect of the variant on protein function. The variant was absent in 251478 control chromosomes (gnomAD). c.450C>G has been reported in the literature as a compound heterozygous genotype in at least two individuals affected with severe Glycine Encephalopathy (Non-Ketotic Hyperglycinemia) (e.g. Cao_2021, Hubschmann_2022). These data indicate that the variant may be associated with disease. To our knowledge, no experimental evidence demonstrating an impact on protein function has been reported. However, variants affecting the same amino acid (i.e. p.Asn150Thr, p.Asn150Ser) have been observed in affected individuals (HGMD database) and/or have been classified as pathogenic in ClinVar, suggesting p.Asn150 is likely important for protein function. The following publications have been ascertained in the context of this evaluation (PMID: 34513771, 35616651). One submitter has cited a clinical-significance assessment for this variant to ClinVar after 2014 and has classified the variant as pathogenic. Based on the evidence outlined above, the variant was classified as likely pathogenic.

Literature cited by the submitters: PubMed 34513771 (cited by 3 submitters); PubMed 35616651 (cited by 3 submitters); PubMed 15192636 (cited by Labcorp Genetics (formerly Invitae), Labcorp).

NM_000170.3(GLDC):c.450C>G (p.Asn150Lys)

Gene: GLDC (glycine decarboxylase; minus strand). Cytogenetic location: 9p24.1.
Variant type: single nucleotide variant.
Coding change: c.450C>G on transcript NM_000170.3 (MANE Select); coding-DNA position 450, C replaced by G.
Protein change: p.Asn150Lys; replaces asparagine 150 with lysine.
Molecular consequence: missense variant.
Genome position (GRCh38, 1-based): chr9:6,620,204, G>C on the plus strand (C>G on the coding strand, the complement: GLDC is on the minus strand). VCF-style: chr9-6620204-G-C. GRCh37 (hg19) VCF-style: chr9-6620204-G-C.
Other names: short protein forms N150K.
Identifiers: ClinVar variation 2098519 (VCV002098519.6), dbSNP rs2489124595, ClinGen allele CA372879186.